The following is an entry in ClinVar:

ClinVar aggregate classification (germline): Uncertain significance (1 of 4 stars; one submission).

Conditions:
Hypertrophic cardiomyopathy. Also called: HYPERTROPHIC MYOCARDIOPATHY. Identifiers: Orphanet 217569, MedGen C0007194, MeSH D002312, MONDO:0005045, HP:0001639.

Submission:

Labcorp Genetics (formerly Invitae), Labcorp
Classification: Uncertain significance for Hypertrophic cardiomyopathy. Last evaluated: 2022-03-08. Review status: criteria provided, single submitter. Criteria: Invitae Variant Classification Sherloc (09022015). Collection method: clinical testing. Allele origin: germline.
Comment: In summary, the available evidence is currently insufficient to determine the role of this variant in disease. Therefore, it has been classified as a Variant of Uncertain Significance. This variant has not been reported in the literature in individuals affected with MYH7-related conditions. This variant is not present in population databases (gnomAD no frequency). This sequence change creates a premature translational stop signal (p.Ile1066Thrfs*15) in the MYH7 gene. It is expected to result in an absent or disrupted protein product. However, the current clinical and genetic evidence is not sufficient to establish whether loss-of-function variants in MYH7 cause disease.

NM_000257.4(MYH7):c.3197del (p.Ile1066fs)

Gene: MYH7 (myosin heavy chain 7; minus strand). Cytogenetic location: 14q11.2.
Variant type: Deletion.
Coding change: c.3197del on transcript NM_000257.4 (MANE Select); coding-DNA position 3197, one base deleted (T; older notation c.3197delT).
Protein change: p.Ile1066fs; shifts the reading frame from isoleucine 1066.
Molecular consequence: frameshift variant.
Genome position (GRCh38, 1-based): chr14:23,422,228, A deleted on the plus strand (T on the coding strand, the reverse complement: MYH7 is on the minus strand). VCF-style (leftmost placement, unchanged base first): chr14-23422227-GA-G. GRCh37 (hg19) VCF-style: chr14-23891436-GA-G.
Other names: short protein forms I1066fs.
Identifiers: ClinVar variation 1477656 (VCV001477656.6), dbSNP rs2138658810, ClinGen allele CA2573149853.